The following is an entry in ClinVar:

NM_003919.3(SGCE):c.133C>T (p.His45Tyr)

Genes: CASD1 (CAS1 domain sialic acid O acetyltransferase 1; plus strand), SGCE (sarcoglycan epsilon; minus strand). Cytogenetic location: 7q21.3.
Variant type: single nucleotide variant.
Coding change: c.133C>T on transcript NM_003919.3 (MANE Select); coding-DNA position 133, C replaced by T.
Protein change: p.His45Tyr; replaces histidine 45 with tyrosine.
Molecular consequence: missense variant. On other transcripts: 5 prime UTR variant (2), intron variant (2).
Genome position (GRCh38, 1-based): chr7:94,629,818, G>A on the plus strand (C>T on the coding strand, the complement: SGCE is on the minus strand). VCF-style: chr7-94629818-G-A. GRCh37 (hg19) VCF-style: chr7-94259130-G-A.
Other names: c.133C>T, p.His45Tyr (NM_001346717.2, NM_001099400.2, NM_001099401.2); c.46C>T, p.His16Tyr (NM_001346719.2, NM_001362807.2); c.-141C>T (NM_001346720.2, NM_001362808.2); c.110-1459C>T (NM_001362809.2, NM_001301139.2); c.241C>T, p.His81Tyr (NM_001346713.2, NM_001346715.2); short protein forms H81Y, H16Y, H45Y.
Identifiers: ClinVar variation 2693124 (VCV002693124.3), dbSNP rs749953335, ClinGen allele CA4348886.

ClinVar aggregate classification (germline): Uncertain significance (1 of 4 stars; one submission).

Conditions:
Myoclonic dystonia 11 (DYT11). Also called: DYT-SGCE; Myoclonic dystonia; Dystonia 11; Dystonia, alcohol responsive; Hereditary essential myoclonus; SGCE Myoclonus-Dystonia. Identifiers: Orphanet 36899, MedGen C1834570, MONDO:0008044, OMIM 159900.

Allele frequency attached by ClinVar (database versions not stated): ExAC 0.00001.
gnomAD v4.1: 1 of 1,610,878 alleles (0.000062%); highest among the groups gnomAD compares: East Asian, 0.0022%; no homozygotes.

Submission:

Labcorp Genetics (formerly Invitae), Labcorp
Classification: Uncertain significance for Myoclonic dystonia 11. Last evaluated: 2023-11-04. Review status: criteria provided, single submitter. Criteria: Invitae Variant Classification Sherloc (09022015). Collection method: clinical testing. Allele origin: germline.
Comment: This sequence change replaces histidine, which is basic and polar, with tyrosine, which is neutral and polar, at codon 45 of the SGCE protein (p.His45Tyr). This variant is present in population databases (rs749953335, gnomAD 0.006%). This variant has not been reported in the literature in individuals affected with SGCE-related conditions. Advanced modeling of protein sequence and biophysical properties (such as structural, functional, and spatial information, amino acid conservation, physicochemical variation, residue mobility, and thermodynamic stability) performed at Invitae indicates that this missense variant is not expected to disrupt SGCE protein function with a negative predictive value of 80%. In summary, the available evidence is currently insufficient to determine the role of this variant in disease. Therefore, it has been classified as a Variant of Uncertain Significance.